The following is an entry in ClinVar:

NM_000143.4(FH):c.1477dup (p.Thr493fs)

Gene: FH (fumarate hydratase; minus strand). Cytogenetic location: 1q43.
Variant type: Duplication.
Coding change: c.1477dup on transcript NM_000143.4 (MANE Select); coding-DNA position 1477, one base duplicated (A; older notation c.1477dupA).
Protein change: p.Thr493fs; shifts the reading frame from threonine 493.
Molecular consequence: frameshift variant.
Genome position (GRCh38, 1-based): chr1:241,497,884, T duplicated on the plus strand (A on the coding strand, the reverse complement: FH is on the minus strand). VCF-style (leftmost placement, unchanged base first): chr1-241497883-G-GT. GRCh37 (hg19) VCF-style: chr1-241661183-G-GT.
Other names: short protein forms T493fs.
Identifiers: ClinVar variation 2673427 (VCV002673427.1), dbSNP rs2527308398, ClinGen allele CA2695200053.

ClinVar aggregate classification (germline): Pathogenic (1 of 4 stars; one submission).

Conditions:
Hereditary leiomyomatosis and renal cell cancer. Also called: MULTIPLE CUTANEOUS AND UTERINE LEIOMYOMATA 1, WITH OR WITHOUT RENAL CELL CARCINOMA; Multiple cutaneous leiomyomas; LEIOMYOMA, MULTIPLE CUTANEOUS; Familial leiomyomatosis; Reed syndrome; Multiple cutaneous and uterine leiomyomatosis. Identifiers: Orphanet 523, MedGen C1708350, MONDO:0007888, OMIM 150800, HP:0007437. Disease mechanism: loss of function.

Submission:

Myriad Genetics, Inc.
Classification: Pathogenic for Hereditary leiomyomatosis and renal cell cancer. Last evaluated: 2023-07-05. Review status: criteria provided, single submitter. Criteria: Myriad Autosomal Dominant, Autosomal Recessive and X-Linked Classification Criteria (2023). Collection method: clinical testing. Allele origin: unknown.
Comment: This variant is considered pathogenic. This variant creates a frameshift predicted to result in premature protein truncation.